The following is an entry in ClinVar:

ClinVar aggregate classification (germline): Uncertain significance (1 of 4 stars; one submission).

Conditions:
Nephronophthisis. Also called: Juvenile Nephronophthisis. Identifiers: Orphanet 655, MedGen C0687120, MONDO:0019005, HP:0000090.

Submission:

Labcorp Genetics (formerly Invitae), Labcorp
Classification: Uncertain significance for Nephronophthisis. Last evaluated: 2022-06-14. Review status: criteria provided, single submitter. Criteria: Invitae Variant Classification Sherloc (09022015). Collection method: clinical testing. Allele origin: germline.
Comment: In summary, the available evidence is currently insufficient to determine the role of this variant in disease. Therefore, it has been classified as a Variant of Uncertain Significance. Algorithms developed to predict the effect of missense changes on protein structure and function output the following: SIFT: "Tolerated"; PolyPhen-2: "Benign"; Align-GVGD: "Class C0". The valine amino acid residue is found in multiple mammalian species, which suggests that this missense change does not adversely affect protein function. This variant has not been reported in the literature in individuals affected with NPHP1-related conditions. This variant is not present in population databases (gnomAD no frequency). This sequence change replaces isoleucine, which is neutral and non-polar, with valine, which is neutral and non-polar, at codon 382 of the NPHP1 protein (p.Ile382Val).

NM_001128178.3(NPHP1):c.976A>G (p.Ile326Val)

Gene: NPHP1 (nephrocystin 1; minus strand). Cytogenetic location: 2q13.
Variant type: single nucleotide variant.
Coding change: c.976A>G on transcript NM_001128178.3 (MANE Select); coding-DNA position 976, A replaced by G.
Protein change: p.Ile326Val; replaces isoleucine 326 with valine.
Molecular consequence: missense variant.
Genome position (GRCh38, 1-based): chr2:110,160,234, T>C on the plus strand (A>G on the coding strand, the complement: NPHP1 is on the minus strand). VCF-style: chr2-110160234-T-C. GRCh37 (hg19) VCF-style: chr2-110917811-T-C.
Other names: c.1144A>G, p.Ile382Val (NM_000272.5); c.787A>G, p.Ile263Val (NM_001128179.3); c.973A>G, p.Ile325Val (NM_001374256.1); c.976A>G, p.Ile326Val (NM_001374257.1); c.1141A>G, p.Ile381Val (NM_207181.4); short protein forms I263V, I325V, I326V, I382V, I381V.
Identifiers: ClinVar variation 2119034 (VCV002119034.4), dbSNP rs2467334105, ClinGen allele CA348089799.